The following is an entry in ClinVar:

ClinVar aggregate classification (germline): Uncertain significance (1 of 4 stars; one submission).

gnomAD v4.1: 1 of 1,614,114 alleles (0.000062%); highest among the groups gnomAD compares: Non-Finnish European, 0.000085%; no homozygotes.

Submission:

Ambry Genetics
Classification: Uncertain significance. Last evaluated: 2024-12-08. Review status: criteria provided, single submitter. Criteria: Ambry Variant Classification Scheme 2023. Collection method: clinical testing. Allele origin: germline.
Comment: The p.K780E variant (also known as c.2338A>G), located in coding exon 1 of the TET2 gene, results from an A to G substitution at nucleotide position 2338. The lysine at codon 780 is replaced by glutamic acid, an amino acid with similar properties. This amino acid position is conserved. In addition, this alteration is predicted to be tolerated by in silico analysis. Based on the available evidence, the clinical significance of this variant remains unclear.

NM_001127208.3(TET2):c.2338A>G (p.Lys780Glu)

Genes: TET2 (tet methylcytosine dioxygenase 2; plus strand), TET2-AS1 (TET2 antisense RNA 1; minus strand). Cytogenetic location: 4q24.
Variant type: single nucleotide variant.
Coding change: c.2338A>G on transcript NM_001127208.3 (MANE Select); coding-DNA position 2338, A replaced by G.
Protein change: p.Lys780Glu; replaces lysine 780 with glutamic acid.
Molecular consequence: missense variant.
Genome position (GRCh38, 1-based): chr4:105,236,280, A>G. VCF-style: chr4-105236280-A-G. GRCh37 (hg19) VCF-style: chr4-106157437-A-G.
Other names: c.2338A>G, p.Lys780Glu (NM_017628.4); short protein forms K780E.
Identifiers: ClinVar variation 3455393 (VCV003455393.1).
Genomic context (GRCh38, chr4:105,236,280, plus strand): 5'-TTTCCTCACCCCCAAAGCAACAATGATCAGCAAAGAGAAGGATCATTCTTTGGCCAGACT[A>G]AAGTGGAAGAATGTTTTCATGGTGAAAATCAGTATTCAAAATCAAGCGAGTTCGAGACTC-3'
Protein context (NP_001120680.1, residues 770-790): QREGSFFGQT[Lys780Glu]VEECFHGENQ